The following is an entry in ClinVar:

NM_001354604.2(MITF):c.915dup (p.Leu306fs)

Gene: MITF (melanocyte inducing transcription factor; plus strand). Cytogenetic location: 3p13.
Variant type: Duplication.
Coding change: c.915dup on transcript NM_001354604.2 (MANE Select); coding-DNA position 915, one base duplicated (A; older notation c.915dupA).
Protein change: p.Leu306fs; shifts the reading frame from leucine 306.
Molecular consequence: frameshift variant.
Genome position (GRCh38, 1-based): chr3:69,951,846, A duplicated. VCF-style (leftmost placement, unchanged base first): chr3-69951845-C-CA. GRCh37 (hg19) VCF-style: chr3-70000996-C-CA.
Other names: c.594dup, p.Leu199fs (NM_000248.4); c.741dup, p.Leu248fs (NM_001184967.2, NM_001354608.2); c.912dup, p.Leu305fs (NM_001354605.2); c.894dup, p.Leu299fs (NM_001354606.2, NM_006722.3); c.846dup, p.Leu283fs (NM_001354607.2); c.576dup, p.Leu193fs (NM_198158.3); c.897dup, p.Leu300fs (NM_198159.3); c.849dup, p.Leu284fs (NM_198177.3); and 1 more; short protein forms L137fs, L193fs, L199fs, L248fs, L283fs, L284fs, L299fs, L300fs.
Identifiers: ClinVar variation 1013483 (VCV001013483.38), dbSNP rs2066264379, ClinGen allele CA1373443532.

ClinVar aggregate classification (germline): Pathogenic (1 of 4 stars; one submission).

Submission:

CeGaT Center for Human Genetics Tuebingen
Classification: Pathogenic. Last evaluated: 2025-11-01. Review status: criteria provided, single submitter. Criteria: CeGaT Center For Human Genetics Tuebingen Variant Classification Criteria Version 2. Collection method: clinical testing. Allele origin: germline. Affected: yes. Observed: 3 variant alleles.
Comment: MITF: PVS1, PM2